The following is an entry in ClinVar:

ClinVar aggregate classification (germline): Uncertain significance. Review status: criteria provided, multiple submitters, no conflicts (2 of 4 stars). 3 submissions from 3 submitters: Uncertain significance (3). Last evaluated 2025-11-19.

Conditions:
Hereditary cancer-predisposing syndrome. Also called: Neoplastic Syndromes, Hereditary; Hereditary Cancer Syndrome; Hereditary neoplastic syndrome; Tumor predisposition. Identifiers: Orphanet 140162, MedGen C0027672, MeSH D009386, MONDO:0015356.
Neuroblastoma, susceptibility to, 3. Also called: ALK-Related Neuroblastic Tumor Susceptibility. Identifiers: Orphanet 635, MedGen C2751681, MONDO:0013083, OMIM 613014.

Allele frequency attached by ClinVar (database versions not stated): TOPMed below 0.00001; gnomAD 0.00001; gnomAD exomes 0.00001.
gnomAD v4.1: 14 of 1,613,944 alleles (0.00087%); highest among the groups gnomAD compares: Admixed American, 0.0017%; no homozygotes.

Submissions (3):

Labcorp Genetics (formerly Invitae), Labcorp
Classification: Uncertain significance for Neuroblastoma, susceptibility to, 3. Last evaluated: 2025-11-19. Review status: criteria provided, single submitter. Criteria: Invitae Variant Classification Sherloc (09022015). Collection method: clinical testing. Allele origin: germline.
Comment: This sequence change replaces isoleucine, which is neutral and non-polar, with threonine, which is neutral and polar, at codon 1183 of the ALK protein (p.Ile1183Thr). This variant is present in population databases (no rsID available, gnomAD 0.003%). This missense change has been observed in individual(s) with neuroblastoma (PMID: 25517749). ClinVar contains an entry for this variant (Variation ID: 643179). An algorithm developed to predict the effect of missense changes on protein structure and function (PolyPhen-2) suggests that this variant is likely to be disruptive. Experimental studies have shown that this missense change does not substantially affect ALK function (PMID: 25517749). In summary, the available evidence is currently insufficient to determine the role of this variant in disease. Therefore, it has been classified as a Variant of Uncertain Significance.

Ambry Genetics
Classification: Uncertain significance for Hereditary cancer-predisposing syndrome. Last evaluated: 2025-02-19. Review status: criteria provided, single submitter. Criteria: Ambry Variant Classification Scheme 2023. Collection method: clinical testing. Allele origin: germline.
Comment: The p.I1183T variant (also known as c.3548T>C), located in coding exon 23 of the ALK gene, results from a T to C substitution at nucleotide position 3548. The isoleucine at codon 1183 is replaced by threonine, an amino acid with similar properties. This amino acid position is highly conserved in available vertebrate species. In addition, this alteration is predicted to be deleterious by in silico analysis. Since supporting evidence is limited at this time, the clinical significance of this alteration remains unclear.

GeneDx
Classification: Uncertain significance. Last evaluated: 2023-01-18. Review status: criteria provided, single submitter. Criteria: GeneDx Variant Classification Process June 2021. Collection method: clinical testing. Allele origin: germline. Affected: yes.
Comment: Not observed at significant frequency in large population cohorts (gnomAD); In silico analysis supports that this missense variant has a deleterious effect on protein structure/function; Has not been previously published as pathogenic or benign to our knowledge

Literature cited by the submitters: PubMed 25517749 (cited by Labcorp Genetics (formerly Invitae), Labcorp).

NM_004304.5(ALK):c.3548T>C (p.Ile1183Thr)

Gene: ALK (ALK receptor tyrosine kinase; minus strand). Cytogenetic location: 2p23.2.
Variant type: single nucleotide variant.
Coding change: c.3548T>C on transcript NM_004304.5 (MANE Select); coding-DNA position 3548, T replaced by C.
Protein change: p.Ile1183Thr; replaces isoleucine 1183 with threonine.
Molecular consequence: missense variant.
Genome position (GRCh38, 1-based): chr2:29,220,803, A>G on the plus strand (T>C on the coding strand, the complement: ALK is on the minus strand). VCF-style: chr2-29220803-A-G. GRCh37 (hg19) VCF-style: chr2-29443669-A-G.
Other names: c.344T>C, p.Ile115Thr (NM_001353765.2); short protein forms I1183T, I115T.
Identifiers: ClinVar variation 643179 (VCV000643179.18), dbSNP rs1002995598, ClinGen allele CA44655597.
Genomic context (GRCh38, chr2:29,220,803, plus strand): 5'-TCTCCCCCCGCCATGAGCTCCAGCAGGATGAACCGGGGCAGGGATTGCAGGCTCACCCCA[A>G]TGCAGCGAACAATGTTCTGGTGGTTGAATTTGCTGCAGAGCAGAGAGGGATGTAACCAAA-3'
Protein context (NP_004295.2, residues 1173-1193): KFNHQNIVRC[Ile1183Thr]GVSLQSLPRF